The following is an entry in ClinVar:

NM_001042492.3(NF1):c.7691C>T (p.Thr2564Ile)

Gene: NF1 (neurofibromin 1; plus strand). Cytogenetic location: 17q11.2.
Variant type: single nucleotide variant.
Coding change: c.7691C>T on transcript NM_001042492.3 (MANE Select); coding-DNA position 7691, C replaced by T.
Protein change: p.Thr2564Ile; replaces threonine 2564 with isoleucine.
Molecular consequence: missense variant.
Genome position (GRCh38, 1-based): chr17:31,356,535, C>T. VCF-style: chr17-31356535-C-T. GRCh37 (hg19) VCF-style: chr17-29683553-C-T.
Other names: c.7628C>T, p.Thr2543Ile (NM_000267.4); short protein forms T2543I, T2564I.
Identifiers: ClinVar variation 4809374 (VCV004809374.1).

ClinVar aggregate classification (germline): Uncertain significance (1 of 4 stars; one submission).

Conditions:
Neurofibromatosis, type 1 (NF1). Also called: Peripheral type neurofibromatosis; Neurofibromatosis, type I; NEUROFIBROMATOSIS, TYPE I, SOMATIC; VON RECKLINGHAUSEN DISEASE. Identifiers: Orphanet 636, MedGen C0027831, MONDO:0018975, OMIM 162200. Disease mechanism: loss of function.

Submission:

Labcorp Genetics (formerly Invitae), Labcorp
Classification: Uncertain significance for Neurofibromatosis, type 1. Last evaluated: 2025-04-30. Review status: criteria provided, single submitter. Criteria: Invitae Variant Classification Sherloc (09022015). Collection method: clinical testing. Allele origin: germline.
Comment: This sequence change replaces threonine, which is neutral and polar, with isoleucine, which is neutral and non-polar, at codon 2543 of the NF1 protein (p.Thr2543Ile). This variant is not present in population databases (gnomAD no frequency). This variant has not been reported in the literature in individuals affected with NF1-related conditions. Invitae Evidence Modeling of protein sequence and biophysical properties (such as structural, functional, and spatial information, amino acid conservation, physicochemical variation, residue mobility, and thermodynamic stability) has been performed for this missense variant. However, the output from this modeling did not meet the statistical confidence thresholds required to predict the impact of this variant on NF1 protein function. In summary, the available evidence is currently insufficient to determine the role of this variant in disease. Therefore, it has been classified as a Variant of Uncertain Significance.